The following is an entry in ClinVar:

NM_000146.4(FTL):c.-161_-160del

Gene: FTL (ferritin light chain; plus strand). Cytogenetic location: 19q13.33.
Variant type: Deletion.
Coding change: c.-161_-160del on transcript NM_000146.4 (MANE Select); 161 bases upstream of the start codon through 160 bases upstream of the start codon, 2 bases deleted (CA; older notation c.-161_-160delCA).
Molecular consequence: 5 prime UTR variant.
Genome position (GRCh38, 1-based): chr19:48,965,347-48,965,348, CA deleted; deleting any 2 consecutive bases within chr19:48,965,346-48,965,348 gives the same sequence; the c. name uses the placement nearest the transcript's 3' end. VCF-style (leftmost placement, unchanged base first): chr19-48965345-AAC-A. GRCh37 (hg19) VCF-style: chr19-49468602-AAC-A.
Identifiers: ClinVar variation 1303900 (VCV001303900.2), dbSNP rs2122429795, ClinGen allele CA2573054802.

ClinVar aggregate classification (germline): Uncertain significance (1 of 4 stars; one submission).

Submission:

GeneDx
Classification: Uncertain significance. Last evaluated: 2019-05-23. Review status: criteria provided, single submitter. Criteria: GeneDx Variant Classification Process June 2021. Collection method: clinical testing. Allele origin: germline. Affected: yes.
Comment: Located in the loop region of the iron-responsive element (IRE); in vitro studies have demonstrated that deletions in this regulatory region have a damaging effect due to significantly decreased affinity for the IRE-binding protein (Jaffrey et al., 1993); No data available from control populations to assess the frequency of this variant; This variant is associated with the following publications: (PMID: 11238302, 20511138, 11167783, 12730114)